The following is an entry in ClinVar:

ClinVar aggregate classification (germline): Uncertain significance (1 of 4 stars; one submission).

Allele frequency attached by ClinVar (database versions not stated): gnomAD 0.00001; TOPMed 0.00003.
gnomAD v4.1: 13 of 1,613,766 alleles (0.00081%); highest among the groups gnomAD compares: Admixed American, 0.0017%; no homozygotes.

Submission:

Labcorp Genetics (formerly Invitae), Labcorp
Classification: Uncertain significance. Last evaluated: 2023-08-02. Review status: criteria provided, single submitter. Criteria: Invitae Variant Classification Sherloc (09022015). Collection method: clinical testing. Allele origin: germline.
Comment: In summary, the available evidence is currently insufficient to determine the role of this variant in disease. Therefore, it has been classified as a Variant of Uncertain Significance. An algorithm developed to predict the effect of missense changes on protein structure and function (PolyPhen-2) suggests that this variant is likely to be disruptive. This variant has not been reported in the literature in individuals affected with FN1-related conditions. This variant is present in population databases (no rsID available, gnomAD 0.01%). This sequence change replaces arginine, which is basic and polar, with glutamine, which is neutral and polar, at codon 1496 of the FN1 protein (p.Arg1496Gln).

NM_212482.4(FN1):c.4487G>A (p.Arg1496Gln)

Gene: FN1 (fibronectin 1; minus strand). Cytogenetic location: 2q35.
Variant type: single nucleotide variant.
Coding change: c.4487G>A on transcript NM_212482.4 (MANE Select); coding-DNA position 4487, G replaced by A.
Protein change: p.Arg1496Gln; replaces arginine 1496 with glutamine.
Molecular consequence: missense variant.
Genome position (GRCh38, 1-based): chr2:215,386,814, C>T on the plus strand (G>A on the coding strand, the complement: FN1 is on the minus strand). VCF-style: chr2-215386814-C-T. GRCh37 (hg19) VCF-style: chr2-216251537-C-T.
Other names: c.4487G>A, p.Arg1496Gln (NM_001306129.2, NM_001306130.2, NM_001365517.2 and 3 more transcripts); c.4214G>A, p.Arg1405Gln (NM_001306131.2, NM_001306132.2, NM_001365518.2 and 7 more transcripts); short protein forms R1405Q, R1496Q.
Identifiers: ClinVar variation 2892019 (VCV002892019.3), dbSNP rs748700094, ClinGen allele CA64858960.